The following is an entry in ClinVar:

NM_001367624.2(ZNF469):c.11126G>A (p.Gly3709Glu)

Gene: ZNF469 (zinc finger protein 469; plus strand). Cytogenetic location: 16q24.2.
Variant type: single nucleotide variant.
Coding change: c.11126G>A on transcript NM_001367624.2 (MANE Select); coding-DNA position 11126, G replaced by A.
Protein change: p.Gly3709Glu; replaces glycine 3709 with glutamic acid.
Molecular consequence: missense variant.
Genome position (GRCh38, 1-based): chr16:88,438,596, G>A. VCF-style: chr16-88438596-G-A. GRCh37 (hg19) VCF-style: chr16-88505004-G-A.
Other names: NM_001127464.1:c.11042G>A; short protein forms G3709E.
Identifiers: ClinVar variation 1406295 (VCV001406295.10), dbSNP rs1024312183, ClinGen allele CA286387637.

ClinVar aggregate classification (germline): Conflicting classifications of pathogenicity. Review status: criteria provided, conflicting classifications (1 of 4 stars). 3 submissions from 3 submitters: Uncertain significance (2); Likely benign (1). Last evaluated 2026-05-27.

Conditions:
Cardiovascular phenotype. Identifiers: MedGen CN230736.

Allele frequency attached by ClinVar (database versions not stated): gnomAD exomes 0.00001 and 0.00004; gnomAD 0.00004 and 0.00005; TOPMed 0.00004.

Submissions (3):

Women's Health and Genetics/Laboratory Corporation of America, LabCorp
Classification: Uncertain significance. Last evaluated: 2026-05-27. Review status: criteria provided, single submitter. Criteria: LabCorp Variant Classification Summary - May 2015. Collection method: clinical testing. Allele origin: germline.
Comment: Variant summary: ZNF469 c.11126G>A (p.Gly3709Glu) results in a non-conservative amino acid change in the encoded protein sequence. Algorithms developed to predict the effect of missense changes on protein structure and function are either unavailable or do not agree on the potential impact of this missense change. The variant allele was found at a frequency of 1.4e-05 in 148138 control chromosomes. The available data on variant occurrences in the general population are insufficient to allow any conclusion about variant significance. To our knowledge, no occurrence of c.11126G>A in individuals affected with ZNF469-related conditions and no experimental evidence demonstrating its impact on protein function have been reported. ClinVar contains an entry for this variant (Variation ID: 1406295). Based on the evidence outlined above, the variant was classified as uncertain significance.

Ambry Genetics
Classification: Likely benign for Cardiovascular phenotype. Last evaluated: 2024-08-07. Review status: criteria provided, single submitter. Criteria: Ambry Variant Classification Scheme 2023. Collection method: clinical testing. Allele origin: germline.

Labcorp Genetics (formerly Invitae), Labcorp
Classification: Uncertain significance. Last evaluated: 2024-01-14. Review status: criteria provided, single submitter. Criteria: Invitae Variant Classification Sherloc (09022015). Collection method: clinical testing. Allele origin: germline.
Comment: This sequence change replaces glycine, which is neutral and non-polar, with glutamic acid, which is acidic and polar, at codon 3681 of the ZNF469 protein (p.Gly3681Glu). This variant is present in population databases (no rsID available, gnomAD 0.004%). This variant has not been reported in the literature in individuals affected with ZNF469-related conditions. ClinVar contains an entry for this variant (Variation ID: 1406295). An algorithm developed to predict the effect of missense changes on protein structure and function (PolyPhen-2) suggests that this variant is likely to be disruptive. In summary, the available evidence is currently insufficient to determine the role of this variant in disease. Therefore, it has been classified as a Variant of Uncertain Significance.